The following is an entry in ClinVar:

ClinVar aggregate classification (germline): Uncertain significance (1 of 4 stars; one submission).

Conditions:
Familial acute necrotizing encephalopathy (IIAE3). Also called: ENCEPHALOPATHY, ACUTE, INFECTION-INDUCED, SUSCEPTIBILITY TO, 3; Susceptibility to Acute Necrotizing Encephalopathy 1. Identifiers: Orphanet 88619, MedGen C2675556, MONDO:0011953, OMIM 608033.

Submission:

Labcorp Genetics (formerly Invitae), Labcorp
Classification: Uncertain significance for Familial acute necrotizing encephalopathy. Last evaluated: 2022-08-16. Review status: criteria provided, single submitter. Criteria: Invitae Variant Classification Sherloc (09022015). Collection method: clinical testing. Allele origin: germline.
Comment: ClinVar contains an entry for this variant (Variation ID: 1517282). This variant has not been reported in the literature in individuals affected with RANBP2-related conditions. This variant is not present in population databases (gnomAD no frequency). This sequence change replaces proline, which is neutral and non-polar, with arginine, which is basic and polar, at codon 625 of the RANBP2 protein (p.Pro625Arg). In summary, the available evidence is currently insufficient to determine the role of this variant in disease. Therefore, it has been classified as a Variant of Uncertain Significance. Algorithms developed to predict the effect of missense changes on protein structure and function are either unavailable or do not agree on the potential impact of this missense change (SIFT: "Deleterious"; PolyPhen-2: "Benign"; Align-GVGD: "Class C65").

NM_006267.5(RANBP2):c.1874C>G (p.Pro625Arg)

Gene: RANBP2 (RAN binding protein 2; plus strand). Cytogenetic location: 2q13.
Variant type: single nucleotide variant.
Coding change: c.1874C>G on transcript NM_006267.5 (MANE Select); coding-DNA position 1874, C replaced by G.
Protein change: p.Pro625Arg; replaces proline 625 with arginine.
Molecular consequence: missense variant.
Genome position (GRCh38, 1-based): chr2:108,753,116, C>G. VCF-style: chr2-108753116-C-G. GRCh37 (hg19) VCF-style: chr2-109369572-C-G.
Other names: short protein forms P625R.
Identifiers: ClinVar variation 1517282 (VCV001517282.9), dbSNP rs2149230410, ClinGen allele CA348051926.